The following is an entry in ClinVar:

NM_001348323.3(TRIP12):c.419C>G (p.Thr140Ser)

Gene: TRIP12 (thyroid hormone receptor interactor 12; minus strand). Cytogenetic location: 2q36.3.
Variant type: single nucleotide variant.
Coding change: c.419C>G on transcript NM_001348323.3 (MANE Select); coding-DNA position 419, C replaced by G.
Protein change: p.Thr140Ser; replaces threonine 140 with serine.
Molecular consequence: missense variant. On other transcripts: intron variant (1).
Genome position (GRCh38, 1-based): chr2:229,859,380, G>C on the plus strand (C>G on the coding strand, the complement: TRIP12 is on the minus strand). VCF-style: chr2-229859380-G-C. GRCh37 (hg19) VCF-style: chr2-230724096-G-C.
Other names: c.419C>G, p.Thr140Ser (NM_001284214.2, NM_001348315.2, NM_001348319.1 and 15 more transcripts); c.293C>G, p.Thr98Ser (NM_001284215.2, NM_001348316.2, NM_001348317.1 and 3 more transcripts); c.98+20602C>G (NM_001284216.2); short protein forms T140S, T98S.
Identifiers: ClinVar variation 4980210 (VCV004980210.1).
Genomic context (GRCh38, chr2:229,859,380, plus strand): 5'-TGGTCTAAATGTCTCTTCTTTGACTTACTATGTGGCTTATTTGTTTCTGAGGGAGATTCA[G>C]TATGCTGAAGTGCTTTTGGTTTTTTTGCAGAGCTAGGAGAATTGGTCCTGTTGTAGTCTG-3'
Protein context (NP_001335252.1, residues 130-150): SAKKPKALQH[Thr140Ser]ESPSETNKPH

ClinVar aggregate classification (germline): Likely benign (1 of 4 stars; one submission).

Conditions:
TRIP12-related disorder. Also called: TRIP12-related condition.

gnomAD v4.1: 45 of 1,614,176 alleles (0.0028%); highest among the groups gnomAD compares: South Asian, 0.045%; no homozygotes.

Submission:

PreventionGenetics, part of Exact Sciences
Classification: Likely benign for TRIP12-related condition. Last evaluated: 2026-07-23. Review status: criteria provided, single submitter. Criteria: ACMG Guidelines, 2015. Collection method: clinical testing. Allele origin: germline.
Comment: This variant is classified as likely benign based on ACMG/AMP sequence variant interpretation guidelines (Richards et al. 2015 PMID: 25741868, with internal and published modifications).